The following is an entry in ClinVar:

NM_000440.3(PDE6A):c.2525C>T (p.Pro842Leu)

Gene: PDE6A (phosphodiesterase 6A; minus strand). Cytogenetic location: 5q32.
Variant type: single nucleotide variant.
Coding change: c.2525C>T on transcript NM_000440.3 (MANE Select); coding-DNA position 2525, C replaced by T.
Protein change: p.Pro842Leu; replaces proline 842 with leucine.
Molecular consequence: missense variant.
Genome position (GRCh38, 1-based): chr5:149,860,953, G>A on the plus strand (C>T on the coding strand, the complement: PDE6A is on the minus strand). VCF-style: chr5-149860953-G-A. GRCh37 (hg19) VCF-style: chr5-149240516-G-A.
Other names: short protein forms P842L.
Identifiers: ClinVar variation 939777 (VCV000939777.11), dbSNP rs542180384, ClinGen allele CA3504244.
Genomic context (GRCh38, chr5:149,860,953, plus strand): 5'-TGTTACTGGATGCAGCAGGACTTGGATGTAGTTGCACCCCCTGGGCTGGGGTTTCCCCCC[G>A]GCTGATTTCCTGCGGCTGCTGCAATGAAACAGGAAAAAGAACACACCAGGTGACAAGAGG-3'
Protein context (NP_000431.2, residues 832-852): SAKSAAAGNQ[Pro842Leu]GGNPSPGGAT

ClinVar aggregate classification (germline): Conflicting classifications of pathogenicity. Review status: criteria provided, conflicting classifications (1 of 4 stars). 3 submissions from 3 submitters: Uncertain significance (1); Likely benign (1). 1 of the submissions does not count toward it. Last evaluated 2023-11-13.

Conditions:
Inborn genetic diseases. Identifiers: MedGen C0950123, MeSH D030342.
Retinal dystrophy. Also called: Inherited retinal dystrophy. Identifiers: Orphanet 71862, MedGen C0854723, MeSH D058499, MONDO:0019118, HP:0000556.

Allele frequency attached by ClinVar (database versions not stated): gnomAD exomes 0.00001 and 0.00002; TOPMed 0.00001; gnomAD 0.00002 and 0.00003; ExAC 0.00003; 1000 Genomes Project 30x 0.00016; 1000 Genomes Project 0.00020.
gnomAD v4.1: 22 of 1,614,130 alleles (0.0014%); highest among the groups gnomAD compares: South Asian, 0.0055%; no homozygotes.

Submissions (3):

Labcorp Genetics (formerly Invitae), Labcorp
Classification: Uncertain significance. Last evaluated: 2023-11-13. Review status: criteria provided, single submitter. Criteria: Invitae Variant Classification Sherloc (09022015). Collection method: clinical testing. Allele origin: germline.
Comment: This sequence change replaces proline, which is neutral and non-polar, with leucine, which is neutral and non-polar, at codon 842 of the PDE6A protein (p.Pro842Leu). This variant is present in population databases (rs542180384, gnomAD 0.01%). This variant has not been reported in the literature in individuals affected with PDE6A-related conditions. ClinVar contains an entry for this variant (Variation ID: 939777). Algorithms developed to predict the effect of missense changes on protein structure and function output the following: SIFT: "Not Available"; PolyPhen-2: "Benign"; Align-GVGD: "Not Available". The leucine amino acid residue is found in multiple mammalian species, which suggests that this missense change does not adversely affect protein function. In summary, the available evidence is currently insufficient to determine the role of this variant in disease. Therefore, it has been classified as a Variant of Uncertain Significance.

Ambry Genetics
Classification: Likely benign for Inborn genetic diseases. Last evaluated: 2021-07-13. Review status: criteria provided, single submitter. Criteria: Ambry Variant Classification Scheme 2023. Collection method: clinical testing. Allele origin: germline.

Institute of Human Genetics, Univ. Regensburg, Univ. Regensburg
Classification: Uncertain significance for Retinal dystrophy. Last evaluated: 2022-01-01. Review status: no assertion criteria provided. Criteria: ACMG Guidelines, 2015. Collection method: clinical testing. Allele origin: germline. Affected: yes. Not counted in ClinVar's aggregate classification.